The following is an entry in ClinVar:

NM_001303.4(COX10):c.212A>T (p.Gln71Leu)

Gene: COX10 (cytochrome c oxidase assembly factor heme A:farnesyltransferase COX10; plus strand). Cytogenetic location: 17p12.
Variant type: single nucleotide variant.
Coding change: c.212A>T on transcript NM_001303.4 (MANE Select); coding-DNA position 212, A replaced by T.
Protein change: p.Gln71Leu; replaces glutamine 71 with leucine.
Molecular consequence: missense variant.
Genome position (GRCh38, 1-based): chr17:14,076,769, A>T. VCF-style: chr17-14076769-A-T. GRCh37 (hg19) VCF-style: chr17-13980086-A-T.
Other names: short protein forms Q71L.
Identifiers: ClinVar variation 2070995 (VCV002070995.7), dbSNP rs920753708, ClinGen allele CA288736753.

ClinVar aggregate classification (germline): Uncertain significance. Review status: criteria provided, multiple submitters, no conflicts (2 of 4 stars). 2 submissions from 2 submitters: Uncertain significance (2). Last evaluated 2024-03-01.

Conditions:
Mitochondrial complex IV deficiency, nuclear type 3. Also called: Mitochondrial complex 4 deficiency, nuclear type 3. Identifiers: MedGen C5436682, MONDO:0033635, OMIM 619046.

Allele frequency attached by ClinVar (database versions not stated): gnomAD exomes below 0.00001; gnomAD 0.00001.
gnomAD v4.1: 8 of 1,614,090 alleles (0.0005%); highest among the groups gnomAD compares: Admixed American, 0.0067%; no homozygotes.

Submissions (3):

Fulgent Genetics
Classification: Uncertain significance for Mitochondrial complex IV deficiency, nuclear type 3. Last evaluated: 2024-03-01. Review status: criteria provided, single submitter. Criteria: ACMG Guidelines, 2015. Collection method: clinical testing. Allele origin: germline.

Labcorp Genetics (formerly Invitae), Labcorp
Classification: Uncertain significance. Last evaluated: 2022-11-01. Review status: criteria provided, single submitter. Criteria: Invitae Variant Classification Sherloc (09022015). Collection method: clinical testing. Allele origin: germline.
Comment: In summary, the available evidence is currently insufficient to determine the role of this variant in disease. Therefore, it has been classified as a Variant of Uncertain Significance. Algorithms developed to predict the effect of missense changes on protein structure and function (SIFT, PolyPhen-2, Align-GVGD) all suggest that this variant is likely to be tolerated. This variant has not been reported in the literature in individuals affected with COX10-related conditions. This variant is present in population databases (no rsID available, gnomAD 0.01%). This sequence change replaces glutamine, which is neutral and polar, with leucine, which is neutral and non-polar, at codon 71 of the COX10 protein (p.Gln71Leu).

Johnston Lab, North Central College
No classification provided (evidence only). Review status: no classification provided. Collection method: in vitro. Allele origin: not applicable. Functional consequence: loss_of_function_variant. Not counted in ClinVar's aggregate classification.
ClinVar note: "not provided" was previously submitted as the classification for the variant. However, the classification appeared to be based only on an observation of functional data so it was converted to no classification on 2025-07-30.